The following is an entry in ClinVar:

ClinVar aggregate classification (germline): Uncertain significance. Review status: criteria provided, multiple submitters, no conflicts (2 of 4 stars). 6 submissions from 6 submitters: Uncertain significance (6). Last evaluated 2024-12-27.

Conditions:
Hereditary cancer-predisposing syndrome. Also called: Neoplastic Syndromes, Hereditary; Hereditary Cancer Syndrome; Tumor predisposition; Hereditary neoplastic syndrome. Identifiers: Orphanet 140162, MedGen C0027672, MeSH D009386, MONDO:0015356.
Familial cancer of breast. Also called: Hereditary breast cancer; BREAST CANCER, FAMILIAL; hereditary breast carcinoma. Identifiers: Orphanet 227535, MedGen C0346153, MONDO:0016419, OMIM 114480. Disease mechanism: loss of function.
Ataxia-telangiectasia syndrome (AT). Also called: LOUIS-BAR SYNDROME; Cerebello-oculocutaneous telangiectasia; Immunodeficiency with ataxia telangiectasia; Ataxia-telangiectasia, complementation group D; AT, COMPLEMENTATION GROUP C; Ataxia-telangiectasia, complementation group E. Identifiers: Orphanet 100, MedGen C0004135, MONDO:0008840, OMIM 208900.

gnomAD v4.1: 3 of 1,613,888 alleles (0.00019%); highest among the groups gnomAD compares: Admixed American, 0.0017%; no homozygotes.

Submissions (6):

Labcorp Genetics (formerly Invitae), Labcorp
Classification: Uncertain significance for Ataxia-telangiectasia syndrome. Last evaluated: 2024-12-27. Review status: criteria provided, single submitter. Criteria: Invitae Variant Classification Sherloc (09022015). Collection method: clinical testing. Allele origin: germline.
Comment: This sequence change replaces leucine, which is neutral and non-polar, with serine, which is neutral and polar, at codon 2850 of the ATM protein (p.Leu2850Ser). This variant is not present in population databases (gnomAD no frequency). This missense change has been observed in individual(s) with clinical features of ATM-related conditions (PMID: 27449771, 31159747; internal data). ClinVar contains an entry for this variant (Variation ID: 421983). Invitae Evidence Modeling of protein sequence and biophysical properties (such as structural, functional, and spatial information, amino acid conservation, physicochemical variation, residue mobility, and thermodynamic stability) indicates that this missense variant is expected to disrupt ATM protein function with a positive predictive value of 80%. In summary, the available evidence is currently insufficient to determine the role of this variant in disease. Therefore, it has been classified as a Variant of Uncertain Significance.

Ambry Genetics
Classification: Uncertain significance for Hereditary cancer-predisposing syndrome. Last evaluated: 2024-07-24. Review status: criteria provided, single submitter. Criteria: Ambry Variant Classification Scheme 2023. Collection method: clinical testing. Allele origin: germline.
Comment: The p.L2850S variant (also known as c.8549T>C), located in coding exon 57 of the ATM gene, results from a T to C substitution at nucleotide position 8549. The leucine at codon 2850 is replaced by serine, an amino acid with dissimilar properties. This alteration was identified in a cohort of pancreatic cancer patients undergoing whole exome sequencing (Yang XR et al. Hum Genet, 2016 Nov;135:1241-1249). Additionally, this alteration has been reported as variant of uncertain significance in 1/1197 individuals from Greece, Romania, and Turkey undergoing evaluation for inherited cancer predisposition (Tsaousis GN et al. BMC Cancer, 2019 Jun;19:535). This amino acid position is highly conserved in available vertebrate species. In addition, this alteration is predicted to be deleterious by in silico analysis. Based on the available evidence, the clinical significance of this variant remains unclear.

Fulgent Genetics
Classification: Uncertain significance for Familial cancer of breast; Ataxia-telangiectasia syndrome. Last evaluated: 2024-05-23. Review status: criteria provided, single submitter. Criteria: ACMG Guidelines, 2015. Collection method: clinical testing. Allele origin: germline.

Color Diagnostics, LLC DBA Color Health
Classification: Uncertain significance for Hereditary cancer-predisposing syndrome. Last evaluated: 2023-07-19. Review status: criteria provided, single submitter. Criteria: ACMG Guidelines, 2015. Collection method: clinical testing. Allele origin: germline.
Comment: This missense variant replaces leucine with serine at codon 2850 of the ATM protein. Computational prediction suggests that this variant may have deleterious impact on protein structure and function (internally defined REVEL score threshold >= 0.7, PMID: 27666373). To our knowledge, functional studies have not been reported for this variant. This variant has been reported in an individual affected with pancreatic cancer (PMID: 27449771) and an individual referred for genetic testing (PMID: 31159747). This variant has not been identified in the general population by the Genome Aggregation Database (gnomAD). The available evidence is insufficient to determine the role of this variant in disease conclusively. Therefore, this variant is classified as a Variant of Uncertain Significance.

GeneKor MSA
Classification: Uncertain significance for Hereditary cancer-predisposing syndrome. Last evaluated: 2018-08-01. Review status: criteria provided, single submitter. Criteria: ACMG Guidelines, 2015. Collection method: clinical testing. Allele origin: germline. Affected: no.

GeneDx
Classification: Uncertain significance. Last evaluated: 2016-08-09. Review status: criteria provided, single submitter. Criteria: GeneDx Variant Classification (06012015). Collection method: clinical testing. Allele origin: germline. Affected: yes.
Comment: This variant is denoted ATM c.8549T>C at the cDNA level, p.Leu2850Ser (L2850S) at the protein level, and results in the change of a Leucine to a Serine (TTG>TCG). This variant has not, to our knowledge, been published in the literature as pathogenic or benign. ATM Leu2850Ser was not observed in approximately 6,500 individuals of European and African American ancestry in the NHLBI Exome Sequencing Project, suggesting it is not a common benign variant in these populations. Since Leucine and Serine differ in polarity, charge, size or other properties, this is considered a non-conservative amino acid substitution. ATM Leu2850Ser occurs at a position that is conserved and is located in the PI3/PI4 kinase domain (Tavtigian 2009, Stracker 2013). In silico analyses predict that this variant is probably damaging to protein structure and function. Based on currently available evidence, it is unclear whether ATM Leu2850Ser is a pathogenic or benign variant. We consider it to be a variant of uncertain significance.

Literature cited by the submitters: PubMed 27449771 (cited by 3 submitters); PubMed 31159747 (cited by 3 submitters).

NM_000051.4(ATM):c.8549T>C (p.Leu2850Ser)

Genes: ATM (ATM serine/threonine kinase; plus strand), C11orf65 (chromosome 11 open reading frame 65; minus strand). Cytogenetic location: 11q22.3.
Variant type: single nucleotide variant.
Coding change: c.8549T>C on transcript NM_000051.4 (MANE Select); coding-DNA position 8549, T replaced by C.
Protein change: p.Leu2850Ser; replaces leucine 2850 with serine.
Molecular consequence: missense variant. On other transcripts: intron variant (2).
Genome position (GRCh38, 1-based): chr11:108,345,873, T>C. VCF-style: chr11-108345873-T-C. GRCh37 (hg19) VCF-style: chr11-108216600-T-C.
Other names: c.8549T>C, p.Leu2850Ser (NM_001351834.2); c.641-36802A>G (NM_001330368.2); c.695-10581A>G (NM_001351110.2); short protein forms L2850S.
Identifiers: ClinVar variation 421983 (VCV000421983.18), dbSNP rs876658716, ClinGen allele CA16619261.